The following is an entry in ClinVar:

NM_015158.5(KANK1):c.287A>G (p.Asn96Ser)

Gene: KANK1 (KN motif and ankyrin repeat domains 1; plus strand). Cytogenetic location: 9p24.3.
Variant type: single nucleotide variant.
Coding change: c.287A>G on transcript NM_015158.5 (MANE Select); coding-DNA position 287, A replaced by G.
Protein change: p.Asn96Ser; replaces asparagine 96 with serine.
Molecular consequence: missense variant. On other transcripts: 5 prime UTR variant (12), non-coding transcript variant (1).
Genome position (GRCh38, 1-based): chr9:711,053, A>G. VCF-style: chr9-711053-A-G. GRCh37 (hg19) VCF-style: chr9-711053-A-G.
Other names: c.287A>G (NM_015158.2); c.287A>G, p.Asn96Ser (NM_001256876.3, NM_001256877.3, NM_001354331.2 and 2 more transcripts); c.-188A>G (NM_001354333.2, NM_001354335.2, NM_001354336.2 and 9 more transcripts); short protein forms N96S.
Identifiers: ClinVar variation 2075076 (VCV002075076.5), dbSNP rs148628393, ClinGen allele CA4959904.

ClinVar aggregate classification (germline): Uncertain significance. Review status: criteria provided, multiple submitters, no conflicts (2 of 4 stars). 2 submissions from 2 submitters: Uncertain significance (2). Last evaluated 2026-01-07.

Allele frequency attached by ClinVar (database versions not stated): TOPMed 0.00016; gnomAD 0.00019; ExAC 0.00022; ESP Exome Variant Server 0.00023; 1000 Genomes Project 0.00040; 1000 Genomes Project 30x 0.00047.
gnomAD v4.1: 274 of 1,614,146 alleles (0.017%); highest among the groups gnomAD compares: Middle Eastern, 0.2%; no homozygotes.

Submissions (2):

Labcorp Genetics (formerly Invitae), Labcorp
Classification: Uncertain significance. Last evaluated: 2026-01-07. Review status: criteria provided, single submitter. Criteria: Invitae Variant Classification Sherloc (09022015). Collection method: clinical testing. Allele origin: germline.
Comment: This sequence change replaces asparagine, which is neutral and polar, with serine, which is neutral and polar, at codon 96 of the KANK1 protein (p.Asn96Ser). This variant is present in population databases (rs148628393, gnomAD 0.08%), and has an allele count higher than expected for a pathogenic variant. This variant has not been reported in the literature in individuals affected with KANK1-related conditions. ClinVar contains an entry for this variant (Variation ID: 2075076). An algorithm developed to predict the effect of missense changes on protein structure and function outputs the following: PolyPhen-2: "Benign". The serine amino acid residue is found in multiple mammalian species, which suggests that this missense change does not adversely affect protein function. In summary, the available evidence is currently insufficient to determine the role of this variant in disease. Therefore, it has been classified as a Variant of Uncertain Significance.

Ambry Genetics
Classification: Uncertain significance. Last evaluated: 2023-12-30. Review status: criteria provided, single submitter. Criteria: Ambry Variant Classification Scheme 2023. Collection method: clinical testing. Allele origin: germline.